The following is an entry in ClinVar:

NM_001009944.3(PKD1):c.9485G>A (p.Arg3162His)

Gene: PKD1 (polycystin 1, transient receptor potential channel interacting; minus strand). Cytogenetic location: 16p13.3.
Variant type: single nucleotide variant.
Coding change: c.9485G>A on transcript NM_001009944.3 (MANE Select); coding-DNA position 9485, G replaced by A.
Protein change: p.Arg3162His; replaces arginine 3162 with histidine.
Molecular consequence: missense variant.
Genome position (GRCh38, 1-based): chr16:2,100,479, C>T on the plus strand (G>A on the coding strand, the complement: PKD1 is on the minus strand). VCF-style: chr16-2100479-C-T. GRCh37 (hg19) VCF-style: chr16-2150480-C-T.
Other names: c.9485G>A, p.Arg3162His (NM_000296.4); short protein forms R3162H.
Identifiers: ClinVar variation 2636454 (VCV002636454.2), dbSNP rs1189208643, ClinGen allele CA394356366.

ClinVar aggregate classification (germline): Uncertain significance. Review status: criteria provided, multiple submitters, no conflicts (2 of 4 stars). 2 submissions from 2 submitters: Uncertain significance (2). Last evaluated 2024-06-12.

Conditions:
Polycystic kidney disease, adult type (PKD1). Also called: POLYCYSTIC KIDNEY DISEASE 1 WITH OR WITHOUT POLYCYSTIC LIVER DISEASE; Polycystic Kidney Disease 1, Autosomal Dominant; Polycystic kidney disease 1; Polycystic kidney disease 1, severe; Polycystic Kidney, Autosomal Dominant; POLYCYSTIC KIDNEY DISEASE, ADULT, TYPE I. Identifiers: MedGen C3149841, MONDO:0008263, OMIM 173900.
PKD1-related disorder. Also called: PKD1-related condition.

Allele frequency attached by ClinVar (database versions not stated): gnomAD exomes 0.00001.
gnomAD v4.1: 8 of 1,610,484 alleles (0.0005%); highest among the groups gnomAD compares: Admixed American, 0.0033%; no homozygotes.

Submissions (2):

Fulgent Genetics
Classification: Uncertain significance for Polycystic kidney disease, adult type. Last evaluated: 2024-06-12. Review status: criteria provided, single submitter. Criteria: ACMG Guidelines, 2015. Collection method: clinical testing. Allele origin: germline.

PreventionGenetics, part of Exact Sciences
Classification: Uncertain significance for PKD1-related condition. Last evaluated: 2023-02-17. Review status: criteria provided, single submitter. Criteria: ACMG Guidelines, 2015. Collection method: clinical testing. Allele origin: germline.
Comment: The PKD1 c.9485G>A variant is predicted to result in the amino acid substitution p.Arg3162His. To our knowledge, this variant has not been reported in the literature. This variant is reported in 0.0029% of alleles in individuals of Latino descent in gnomAD. This variant falls within a highly paralogous region. Allele frequency data should be interpreted with caution. Different substitutions affecting the same amino acid (p.Arg3162Cys and p.Arg3162Leu) have been reported in patients with polycystic kidney disease (Bergmann. 2011. PubMed ID: 22034641; Audrézet. 2012. PubMed ID: 22508176). At this time, the clinical significance of this variant is uncertain due to the absence of conclusive functional and genetic evidence.